The following is an entry in ClinVar:

ClinVar aggregate classification (germline): Uncertain significance (1 of 4 stars; one submission).

Conditions:
Colorectal cancer, hereditary nonpolyposis, type 7. Identifiers: Orphanet 144, MedGen C1858380, MONDO:0013725, OMIM 614385.

Submission:

Labcorp Genetics (formerly Invitae), Labcorp
Classification: Uncertain significance for Colorectal cancer, hereditary nonpolyposis, type 7. Last evaluated: 2024-05-23. Review status: criteria provided, single submitter. Criteria: Invitae Variant Classification Sherloc (09022015). Collection method: clinical testing. Allele origin: germline.
Comment: This sequence change replaces aspartic acid, which is acidic and polar, with asparagine, which is neutral and polar, at codon 837 of the MLH3 protein (p.Asp837Asn). This variant is not present in population databases (gnomAD no frequency). This variant has not been reported in the literature in individuals affected with MLH3-related conditions. Algorithms developed to predict the effect of missense changes on protein structure and function output the following: SIFT: "Not Available"; PolyPhen-2: "Benign"; Align-GVGD: "Not Available". The asparagine amino acid residue is found in multiple mammalian species, which suggests that this missense change does not adversely affect protein function. In summary, the available evidence is currently insufficient to determine the role of this variant in disease. Therefore, it has been classified as a Variant of Uncertain Significance.

NM_001040108.2(MLH3):c.2509G>A (p.Asp837Asn)

Gene: MLH3 (mutL homolog 3; minus strand). Cytogenetic location: 14q24.3.
Variant type: single nucleotide variant.
Coding change: c.2509G>A on transcript NM_001040108.2 (MANE Select); coding-DNA position 2509, G replaced by A.
Protein change: p.Asp837Asn; replaces aspartic acid 837 with asparagine.
Molecular consequence: missense variant.
Genome position (GRCh38, 1-based): chr14:75,047,147, C>T on the plus strand (G>A on the coding strand, the complement: MLH3 is on the minus strand). VCF-style: chr14-75047147-C-T. GRCh37 (hg19) VCF-style: chr14-75513850-C-T.
Other names: c.2509G>A, p.Asp837Asn (NM_014381.3); short protein forms D837N.
Identifiers: ClinVar variation 3654333 (VCV003654333.2).